The following is an entry in ClinVar:

NM_005228.5(EGFR):c.2542C>T (p.Pro848Ser)

Gene: EGFR (epidermal growth factor receptor; plus strand). Cytogenetic location: 7p11.2.
Variant type: single nucleotide variant.
Coding change: c.2542C>T on transcript NM_005228.5 (MANE Select); coding-DNA position 2542, C replaced by T.
Protein change: p.Pro848Ser; replaces proline 848 with serine.
Molecular consequence: missense variant.
Genome position (GRCh38, 1-based): chr7:55,191,791, C>T. VCF-style: chr7-55191791-C-T. GRCh37 (hg19) VCF-style: chr7-55259484-C-T.
Other names: c.2407C>T, p.Pro803Ser (NM_001346897.2, NM_001346899.2); c.2542C>T, p.Pro848Ser (NM_001346898.2); c.2383C>T, p.Pro795Ser (NM_001346900.2); c.1741C>T, p.Pro581Ser (NM_001346941.2); c.2542C>T (NM_005228.3); short protein forms P581S, P848S, P795S, P803S.
Identifiers: ClinVar variation 1046086 (VCV001046086.9), dbSNP rs1787407443, ClinGen allele CA367580208.

ClinVar aggregate classification (germline): Uncertain significance. Review status: criteria provided, multiple submitters, no conflicts (2 of 4 stars). 2 submissions from 2 submitters: Uncertain significance (2). Last evaluated 2026-01-07.

Conditions:
Hereditary cancer-predisposing syndrome. Also called: Hereditary Cancer Syndrome; Neoplastic Syndromes, Hereditary; Tumor predisposition; Hereditary neoplastic syndrome. Identifiers: Orphanet 140162, MedGen C0027672, MeSH D009386, MONDO:0015356.
EGFR-related lung cancer (EGFR). Identifiers: MedGen CN130014.

gnomAD v4.1: 2 of 1,614,106 alleles (0.00012%); highest among the groups gnomAD compares: Non-Finnish European, 0.00017%; no homozygotes.

Submissions (2):

Ambry Genetics
Classification: Uncertain significance for Hereditary cancer-predisposing syndrome. Last evaluated: 2026-01-07. Review status: criteria provided, single submitter. Criteria: Ambry Variant Classification Scheme 2023. Collection method: clinical testing. Allele origin: germline.
Comment: The p.P848S variant (also known as c.2542C>T), located in coding exon 21 of the EGFR gene, results from a C to T substitution at nucleotide position 2542. The proline at codon 848 is replaced by serine, an amino acid with similar properties. This amino acid position is highly conserved in available vertebrate species. In addition, the in silico prediction for this alteration is inconclusive. Based on the available evidence, the clinical significance of this variant remains unclear.

Labcorp Genetics (formerly Invitae), Labcorp
Classification: Uncertain significance for EGFR-related lung cancer. Last evaluated: 2020-08-14. Review status: criteria provided, single submitter. Criteria: Invitae Variant Classification Sherloc (09022015). Collection method: clinical testing. Allele origin: germline.
Comment: This sequence change replaces proline with serine at codon 848 of the EGFR protein (p.Pro848Ser). The proline residue is highly conserved and there is a moderate physicochemical difference between proline and serine. This variant is not present in population databases (ExAC no frequency). This variant has not been reported in the literature in individuals with EGFR-related conditions. Algorithms developed to predict the effect of missense changes on protein structure and function are either unavailable or do not agree on the potential impact of this missense change (SIFT: "Tolerated"; PolyPhen-2: "Probably Damaging"; Align-GVGD: "Class C0"). In summary, the available evidence is currently insufficient to determine the role of this variant in disease. Therefore, it has been classified as a Variant of Uncertain Significance.